The following is an entry in ClinVar:

NM_024598.4(USB1):c.359A>G (p.His120Arg)

Gene: USB1 (U6 snRNA biogenesis phosphodiesterase 1; plus strand). Cytogenetic location: 16q21.
Variant type: single nucleotide variant.
Coding change: c.359A>G on transcript NM_024598.4 (MANE Select); coding-DNA position 359, A replaced by G.
Protein change: p.His120Arg; replaces histidine 120 with arginine.
Molecular consequence: missense variant.
Genome position (GRCh38, 1-based): chr16:58,010,022, A>G. VCF-style: chr16-58010022-A-G. GRCh37 (hg19) VCF-style: chr16-58043926-A-G.
Other names: c.359A>G, p.His120Arg (NM_001195302.2, NM_001204911.2, NM_001330569.2); c.206A>G, p.His69Arg (NM_001330568.2); short protein forms H120R, H69R.
Identifiers: ClinVar variation 3978186 (VCV003978186.1).
Genomic context (GRCh38, chr16:58,010,022, plus strand): 5'-ATGTGTTGCTGCCCCATGCCCAGACATATGTCCCCCGGCTGGTAAGGATGAAGGTGTTCC[A>G]CCTCAGCCTGTCCCAGAGTGTGGTTCTGCGCCACCACTGGATCCTCCCCTTCGTGCAGGC-3'
Protein context (NP_078874.2, residues 110-130): VPRLVRMKVF[His120Arg]LSLSQSVVLR

ClinVar aggregate classification (germline): Uncertain significance (1 of 4 stars; one submission).

Conditions:
Inborn genetic diseases. Identifiers: MedGen C0950123, MeSH D030342.

Submission:

Ambry Genetics
Classification: Uncertain significance for Inborn genetic diseases. Last evaluated: 2025-06-13. Review status: criteria provided, single submitter. Criteria: Ambry Variant Classification Scheme 2023. Collection method: clinical testing. Allele origin: germline.
Comment: The p.H120R variant (also known as c.359A>G), located in coding exon 3 of the USB1 gene, results from an A to G substitution at nucleotide position 359. The histidine at codon 120 is replaced by arginine, an amino acid with highly similar properties. This amino acid position is conserved. In addition, this alteration is predicted to be deleterious by in silico analysis. Based on the available evidence, the clinical significance of this variant remains unclear.